The following is an entry in ClinVar:

NM_001378615.1(CC2D2A):c.3295G>A (p.Val1099Ile)

Genes: CC2D2A (coiled-coil and C2 domain containing 2A; plus strand), FBXL5 (F-box and leucine rich repeat protein 5; minus strand). Cytogenetic location: 4p15.32.
Variant type: single nucleotide variant.
Coding change: c.3295G>A on transcript NM_001378615.1 (MANE Select); coding-DNA position 3295, G replaced by A.
Protein change: p.Val1099Ile; replaces valine 1099 with isoleucine.
Molecular consequence: missense variant.
Genome position (GRCh38, 1-based): chr4:15,567,683, G>A. VCF-style: chr4-15567683-G-A. GRCh37 (hg19) VCF-style: chr4-15569306-G-A.
Other names: c.3295G>A, p.Val1099Ile (NM_001080522.2); c.3148G>A, p.Val1050Ile (NM_001378617.1); short protein forms V1099I, V1050I.
Identifiers: ClinVar variation 1407958 (VCV001407958.10), dbSNP rs1349492467, ClinGen allele CA356418561.

ClinVar aggregate classification (germline): Uncertain significance (1 of 4 stars; one submission).

Conditions:
Joubert syndrome. Also called: JOUBERT-BOLTSHAUSER SYNDROME; Familial aplasia of the vermis. Identifiers: Orphanet 475, MedGen C5979921, MONDO:0018772.
Meckel-Gruber syndrome. Also called: DYSENCEPHALIA SPLANCHNOCYSTICA; GRUBER SYNDROME; Dysencephalia splachnocystica. Identifiers: Orphanet 564, MedGen C0265215, MONDO:0018921.

Allele frequency attached by ClinVar (database versions not stated): gnomAD exomes below 0.00001.
gnomAD v4.1: 1 of 1,599,736 alleles (0.000063%); highest among the groups gnomAD compares: Non-Finnish European, 0.000085%; no homozygotes.

Submission:

Labcorp Genetics (formerly Invitae), Labcorp
Classification: Uncertain significance for Joubert syndrome; Meckel-Gruber syndrome. Last evaluated: 2020-11-20. Review status: criteria provided, single submitter. Criteria: Invitae Variant Classification Sherloc (09022015). Collection method: clinical testing. Allele origin: germline.
Comment: In summary, the available evidence is currently insufficient to determine the role of this variant in disease. Therefore, it has been classified as a Variant of Uncertain Significance. Advanced modeling of protein sequence and biophysical properties (such as structural, functional, and spatial information, amino acid conservation, physicochemical variation, residue mobility, and thermodynamic stability) performed at Invitae indicates that this missense variant is expected to disrupt CC2D2A protein function. This variant has not been reported in the literature in individuals with CC2D2A-related conditions. This variant is not present in population databases (ExAC no frequency). This sequence change replaces valine with isoleucine at codon 1099 of the CC2D2A protein (p.Val1099Ile). The valine residue is highly conserved and there is a small physicochemical difference between valine and isoleucine.